The following is an entry in ClinVar:

NM_198407.2(GHSR):c.173T>A (p.Ile58Asn)

Gene: GHSR (growth hormone secretagogue receptor; minus strand). Cytogenetic location: 3q26.31.
Variant type: single nucleotide variant.
Coding change: c.173T>A on transcript NM_198407.2 (MANE Select); coding-DNA position 173, T replaced by A.
Protein change: p.Ile58Asn; replaces isoleucine 58 with asparagine.
Molecular consequence: missense variant.
Genome position (GRCh38, 1-based): chr3:172,448,241, A>T on the plus strand (T>A on the coding strand, the complement: GHSR is on the minus strand). VCF-style: chr3-172448241-A-T. GRCh37 (hg19) VCF-style: chr3-172166031-A-T.
Other names: c.173T>A, p.Ile58Asn (NM_004122.2); short protein forms I58N.
Identifiers: ClinVar variation 2442775 (VCV002442775.1), dbSNP rs2473557942, ClinGen allele CA355516316.

ClinVar aggregate classification (germline): Uncertain significance (1 of 4 stars; one submission).

Submission:

GeneDx
Classification: Uncertain significance. Last evaluated: 2022-08-29. Review status: criteria provided, single submitter. Criteria: GeneDx Variant Classification Process June 2021. Collection method: clinical testing. Allele origin: germline. Affected: yes.
Comment: Not observed at significant frequency in large population cohorts (gnomAD); In silico analysis supports that this missense variant has a deleterious effect on protein structure/function; Has not been previously published as pathogenic or benign to our knowledge